The following is an entry in ClinVar:

NM_181078.3(IL21R):c.615G>C (p.Met205Ile)

Gene: IL21R (interleukin 21 receptor; plus strand). Cytogenetic location: 16p12.1.
Variant type: single nucleotide variant.
Coding change: c.615G>C on transcript NM_181078.3 (MANE Select); coding-DNA position 615, G replaced by C.
Protein change: p.Met205Ile; replaces methionine 205 with isoleucine.
Molecular consequence: missense variant.
Genome position (GRCh38, 1-based): chr16:27,444,649, G>C. VCF-style: chr16-27444649-G-C. GRCh37 (hg19) VCF-style: chr16-27455970-G-C.
Other names: c.615G>C, p.Met205Ile (NM_021798.4); c.681G>C, p.Met227Ile (NM_181079.5); short protein forms M227I, M205I.
Identifiers: ClinVar variation 646528 (VCV000646528.8), dbSNP rs201566028, ClinGen allele CA7975022.

ClinVar aggregate classification (germline): Uncertain significance. Review status: criteria provided, multiple submitters, no conflicts (2 of 4 stars). 2 submissions from 2 submitters: Uncertain significance (2). Last evaluated 2023-12-06.

Conditions:
Cryptosporidiosis-chronic cholangitis-liver disease syndrome. Also called: IL21R immunodeficiency; Immunodeficiency type 56. Identifiers: Orphanet 357329, MedGen C3554687, MONDO:0014082, OMIM 615207.

Allele frequency attached by ClinVar (database versions not stated): ESP Exome Variant Server 0.00008; gnomAD exomes 0.00014 and 0.00033; ExAC 0.00027; gnomAD 0.00031 and 0.00033; TOPMed 0.00043; 1000 Genomes Project 30x 0.00094; 1000 Genomes Project 0.00100.
gnomAD v4.1: 266 of 1,583,614 alleles (0.017%); highest among the groups gnomAD compares: Admixed American, 0.14%; 2 homozygotes.

Submissions (2):

Labcorp Genetics (formerly Invitae), Labcorp
Classification: Uncertain significance for Cryptosporidiosis-chronic cholangitis-liver disease syndrome. Last evaluated: 2023-12-06. Review status: criteria provided, single submitter. Criteria: Invitae Variant Classification Sherloc (09022015). Collection method: clinical testing. Allele origin: germline.
Comment: This sequence change replaces methionine, which is neutral and non-polar, with isoleucine, which is neutral and non-polar, at codon 205 of the IL21R protein (p.Met205Ile). This variant is present in population databases (rs201566028, gnomAD 0.2%). This variant has not been reported in the literature in individuals affected with IL21R-related conditions. ClinVar contains an entry for this variant (Variation ID: 646528). Advanced modeling of protein sequence and biophysical properties (such as structural, functional, and spatial information, amino acid conservation, physicochemical variation, residue mobility, and thermodynamic stability) performed at Invitae indicates that this missense variant is not expected to disrupt IL21R protein function with a negative predictive value of 80%. In summary, the available evidence is currently insufficient to determine the role of this variant in disease. Therefore, it has been classified as a Variant of Uncertain Significance.

Breakthrough Genomics
Classification: Uncertain significance. Review status: criteria provided, single submitter. Criteria: ACMG Guidelines, 2015. Collection method: not provided. Allele origin: germline. Inheritance: Autosomal recessive inheritance. Affected: yes.